The following is an entry in ClinVar:

ClinVar aggregate classification (germline): Uncertain significance (0 of 4 stars; one submission).

Conditions:
SEMA3B-related disorder. Also called: SEMA3B-related condition.

Submission:

PreventionGenetics, part of Exact Sciences
Classification: Uncertain significance for SEMA3B-related condition. Last evaluated: 2024-08-30. Review status: no assertion criteria provided. Collection method: clinical testing. Allele origin: germline.
Comment: The SEMA3B c.1634C>G variant is predicted to result in the amino acid substitution p.Ala545Gly. To our knowledge, this variant has not been reported in the literature or in a large population database, indicating it is rare. At this time, the clinical significance of this variant is uncertain due to the absence of conclusive functional and genetic evidence.

NM_001290060.2(SEMA3B):c.1619C>G (p.Ala540Gly)

Gene: SEMA3B (semaphorin 3B; plus strand). Cytogenetic location: 3p21.31.
Variant type: single nucleotide variant.
Coding change: c.1619C>G on transcript NM_001290060.2 (MANE Select); coding-DNA position 1619, C replaced by G.
Protein change: p.Ala540Gly; replaces alanine 540 with glycine.
Molecular consequence: missense variant.
Genome position (GRCh38, 1-based): chr3:50,275,429, C>G. VCF-style: chr3-50275429-C-G. GRCh37 (hg19) VCF-style: chr3-50312860-C-G.
Other names: c.1616C>G, p.Ala539Gly (NM_001005914.3); c.1634C>G, p.Ala545Gly (NM_001290061.1); c.590C>G, p.Ala197Gly (NM_001290062.2, NM_001290063.2); c.1619C>G, p.Ala540Gly (NM_004636.4); short protein forms A197G, A539G, A540G, A545G.
Identifiers: ClinVar variation 3345425 (VCV003345425.1).